The following is an entry in ClinVar:

ClinVar aggregate classification (germline): Uncertain significance (1 of 4 stars; one submission).

gnomAD v4.1: 3 of 1,608,554 alleles (0.00019%); highest among the groups gnomAD compares: Non-Finnish European, 0.00025%; no homozygotes.

Submission:

Labcorp Genetics (formerly Invitae), Labcorp
Classification: Uncertain significance. Last evaluated: 2025-08-13. Review status: criteria provided, single submitter. Criteria: Invitae Variant Classification Sherloc (09022015). Collection method: clinical testing. Allele origin: germline.
Comment: This sequence change replaces leucine, which is neutral and non-polar, with phenylalanine, which is neutral and non-polar, at codon 430 of the IL6ST protein (p.Leu430Phe). This variant is not present in population databases (gnomAD no frequency). This variant has not been reported in the literature in individuals affected with IL6ST-related conditions. An algorithm developed to predict the effect of missense changes on protein structure and function (PolyPhen-2) suggests that this variant is likely to be tolerated. In summary, the available evidence is currently insufficient to determine the role of this variant in disease. Therefore, it has been classified as a Variant of Uncertain Significance.

NM_002184.4(IL6ST):c.1288C>T (p.Leu430Phe)

Gene: IL6ST (interleukin 6 cytokine family signal transducer; minus strand). Cytogenetic location: 5q11.2.
Variant type: single nucleotide variant.
Coding change: c.1288C>T on transcript NM_002184.4 (MANE Select); coding-DNA position 1288, C replaced by T.
Protein change: p.Leu430Phe; replaces leucine 430 with phenylalanine.
Molecular consequence: missense variant. On other transcripts: 3 prime UTR variant (1), non-coding transcript variant (2), intron variant (1).
Genome position (GRCh38, 1-based): chr5:55,954,972, G>A on the plus strand (C>T on the coding strand, the complement: IL6ST is on the minus strand). VCF-style: chr5-55954972-G-A. GRCh37 (hg19) VCF-style: chr5-55250800-G-A.
Other names: c.1288C>T, p.Leu430Phe (NM_001364275.2); c.1078C>T, p.Leu360Phe (NM_001364276.2); c.421C>T, p.Leu141Phe (NM_001364277.2); c.385C>T, p.Leu129Phe (NM_001364278.2); c.292C>T, p.Leu98Phe (NM_001364279.2); c.*215C>T (NM_175767.3); c.1267+1053C>T (NM_001190981.2); short protein forms L430F, L141F, L360F, L129F, L98F.
Identifiers: ClinVar variation 4725389 (VCV004725389.1).
Genomic context (GRCh38, chr5:55,954,972, plus strand): 5'-CAGATTCCCTTGGAGTAGTCCATTCCACCCAAAGCATGTTATCTTTGGGGAATGCTTTAA[G>A]ATCCATTACAGGGTGAGTAGCTTTAAAACAAAGTTTGAATATTGAAATAATAAATATTAA-3'
Protein context (NP_002175.2, residues 420-440): DFQATHPVMD[Leu430Phe]KAFPKDNMLW